The following is an entry in ClinVar:

ClinVar aggregate classification (germline): Uncertain significance (1 of 4 stars; one submission).

Submission:

Dasa
Classification: Uncertain significance. Last evaluated: 2025-04-16. Review status: criteria provided, single submitter. Criteria: DASA Assertion Criteria. Collection method: clinical testing. Allele origin: germline.
Comment: NM_005223.4(DNASE1):c.154del (p.Ser52Alafs*16) is a frameshift variant in DNASE1 predicted to alter the reading frame and introduce a premature termination codon. Published studies describe this variant in association with related phenotype (PMID: 30758851; PMID: 19844716). Also, this variant is rare in population databases. The currently available literature and clinical evidence are not sufficient to establish a definitive association between this variant and the reported condition. Therefore, this variant is classified as a variant of uncertain significance.

Literature cited by the submitters: PubMed 30758851; PubMed 19844716.

NM_005223.4(DNASE1):c.154del (p.Ser52fs)

Gene: DNASE1 (deoxyribonuclease 1; plus strand). Cytogenetic location: 16p13.3.
Variant type: Deletion.
Coding change: c.154del on transcript NM_005223.4 (MANE Select); coding-DNA position 154, one base deleted (A; older notation c.154delA).
Protein change: p.Ser52fs; shifts the reading frame from serine 52.
Molecular consequence: frameshift variant. On other transcripts: non-coding transcript variant (2), intron variant (1).
Genome position (GRCh38, 1-based): chr16:3,655,855, A deleted. VCF-style (leftmost placement, unchanged base first): chr16-3655854-GA-G. GRCh37 (hg19) VCF-style: chr16-3705855-GA-G.
Other names: c.154del, p.Ser52fs (NM_001351825.2, NM_001387135.1, NM_001387139.1 and 1 more transcripts); c.30-247del (NM_001387141.1); short protein forms S52fs.
Identifiers: ClinVar variation 4883926 (VCV004883926.2).